The following is an entry in ClinVar:

ClinVar aggregate classification (germline): Likely benign (1 of 4 stars; one submission).

Allele frequency attached by ClinVar (database versions not stated): 1000 Genomes Project 0.00220; 1000 Genomes Project 30x 0.00234.

Submission:

CeGaT Center for Human Genetics Tuebingen
Classification: Likely benign. Last evaluated: 2022-12-01. Review status: criteria provided, single submitter. Criteria: CeGaT Center For Human Genetics Tuebingen Variant Classification Criteria Version 2. Collection method: clinical testing. Allele origin: germline. Affected: yes. Observed: 1 variant allele.
Comment: FAM66B: BS2; USP17L1: BS2

NM_001256873.1(USP17L1):c.1308C>G (p.His436Gln)

Genes: FAM66B (family with sequence similarity 66 member B; minus strand), USP17L1 (ubiquitin specific peptidase 17 like family member 1). Cytogenetic location: 8p23.1.
Variant type: single nucleotide variant.
Coding change: c.1308C>G on transcript NM_001256873.1 (MANE Select); coding-DNA position 1308, C replaced by G.
Protein change: p.His436Gln; replaces histidine 436 with glutamine.
Molecular consequence: missense variant.
Genome position (GRCh38, 1-based): chr8:7,333,694, C>G. VCF-style: chr8-7333694-C-G. GRCh37 (hg19) VCF-style: chr8-7191216-C-G.
Other names: short protein forms H436Q.
Identifiers: ClinVar variation 2658358 (VCV002658358.24), dbSNP rs74194562, ClinGen allele CA4614785.